The following is an entry in ClinVar:

ClinVar aggregate classification (germline): Conflicting classifications of pathogenicity. Review status: criteria provided, conflicting classifications (1 of 4 stars). 4 submissions from 4 submitters: Pathogenic (1); Likely pathogenic (1); Uncertain significance (1). 1 of the submissions does not count toward it. Last evaluated 2025-07-09.

Conditions:
DHCR7-related disorder. Also called: DHCR7-related condition.
Smith-Lemli-Opitz syndrome (SLOS). Also called: 7-Dehydrocholesterol reductase deficiency; LETHAL ACRODYSGENITAL SYNDROME; POLYDACTYLY, SEX REVERSAL, RENAL HYPOPLASIA, AND UNILOBAR LUNG; RSH SYNDROME; RUTLEDGE LETHAL MULTIPLE CONGENITAL ANOMALY SYNDROME. Identifiers: Orphanet 818, MedGen C0175694, MONDO:0010035, OMIM 270400.

Submissions (4):

Natera, Inc.
Classification: Likely pathogenic for Smith-Lemli-Opitz syndrome. Last evaluated: 2025-07-09. Review status: criteria provided, single submitter. Criteria: Natera Variant Classification Schema (03/2026). Collection method: clinical testing. Allele origin: germline.
Comment: The c.1097G>T variant in DHCR7 is a missense variant predicted to cause substitution of glycine to valine at amino acid 366. This variant is rare in the general population with a frequency below the threshold expected for the associated phenotype(s). This variant has been observed in one or more individuals affected with the associated recessive disease, as either homozygous or compound heterozygous with a second variant (PMID: 19365639). This variant has been identified in one or more affected individual with a phenotype highly consistent with the associated gene (PMID: 19365639). Computational prediction algorithms indicate this variant is likely to affect gene or protein function. Given the available evidence, this variant is classified as Likely Pathogenic.

PreventionGenetics, part of Exact Sciences
Classification: Uncertain significance for DHCR7-related condition. Last evaluated: 2025-07-03. Review status: criteria provided, single submitter. Criteria: ACMG Guidelines, 2015. Collection method: clinical testing. Allele origin: germline.
Comment: The DHCR7 c.1097G>T variant is predicted to result in the amino acid substitution p.Gly366Val. This variant has been reported in individuals with Smith-Lemli-Opitz syndrome, one of whom was compound heterozygous with a second DHCR7 variant (Szabó et al. 2010. PubMed ID: 19365639; Waterham et al. 2012. PubMed ID: 23042628). This variant has not been reported in a large population database (gnomAD), indicating this variant is rare. Although we suspect that this variant may be pathogenic, at this time, the clinical significance of this variant is uncertain due to the absence of conclusive functional and genetic evidence.

Labcorp Genetics (formerly Invitae), Labcorp
Classification: Pathogenic for Smith-Lemli-Opitz syndrome. Last evaluated: 2024-04-25. Review status: criteria provided, single submitter. Criteria: Invitae Variant Classification Sherloc (09022015). Collection method: clinical testing. Allele origin: germline.
Comment: This sequence change replaces glycine, which is neutral and non-polar, with valine, which is neutral and non-polar, at codon 366 of the DHCR7 protein (p.Gly366Val). This variant is not present in population databases (gnomAD no frequency). This missense change has been observed in individual(s) with Smith-Lemli-Opitz syndrome (PMID: 19365639). ClinVar contains an entry for this variant (Variation ID: 551712). Advanced modeling of protein sequence and biophysical properties (such as structural, functional, and spatial information, amino acid conservation, physicochemical variation, residue mobility, and thermodynamic stability) performed at Invitae indicates that this missense variant is expected to disrupt DHCR7 protein function with a positive predictive value of 95%. For these reasons, this variant has been classified as Pathogenic.

Counsyl
Classification: Uncertain significance for Smith-Lemli-Opitz syndrome. Last evaluated: 2017-05-04. Review status: no assertion criteria provided. Collection method: clinical testing. Allele origin: unknown. Not counted in ClinVar's aggregate classification.

Literature cited by the submitters: PubMed 19365639 (cited by 3 submitters); PubMed 23042628 (cited by Counsyl).

NM_001360.3(DHCR7):c.1097G>T (p.Gly366Val)

Gene: DHCR7 (7-dehydrocholesterol reductase; minus strand). Cytogenetic location: 11q13.4.
Variant type: single nucleotide variant.
Coding change: c.1097G>T on transcript NM_001360.3 (MANE Select); coding-DNA position 1097, G replaced by T.
Protein change: p.Gly366Val; replaces glycine 366 with valine.
Molecular consequence: missense variant.
Genome position (GRCh38, 1-based): chr11:71,435,706, C>A on the plus strand (G>T on the coding strand, the complement: DHCR7 is on the minus strand). VCF-style: chr11-71435706-C-A. GRCh37 (hg19) VCF-style: chr11-71146752-C-A.
Other names: c.1097G>T, p.Gly366Val (NM_001163817.2); short protein forms G366V.
Identifiers: ClinVar variation 551712 (VCV000551712.7), dbSNP rs1555145614, ClinGen allele CA381702049.
Genomic context (GRCh38, chr11:71,435,706, plus strand): 5'-TCGGCGGATGTGTAGGAGCACTCGATGACCTTGGGCTTCCTGCCCCAGATGAGGCAGCGC[C>A]CATCCGTGCGGCGGAACAGGTCCTTCTGGTGGTTGGCCACCCGGAAGATGTAGTAGCCCA-3'
Protein context (NP_001351.2, residues 356-376): HQKDLFRRTD[Gly366Val]RCLIWGRKPK